The following is an entry in ClinVar:

NM_004698.4(PRPF3):c.591dup (p.Asp198Ter)

Gene: PRPF3 (pre-mRNA processing factor 3; plus strand). Cytogenetic location: 1q21.2.
Variant type: Duplication.
Coding change: c.591dup on transcript NM_004698.4 (MANE Select); coding-DNA position 591, one base duplicated (T; older notation c.591dupT).
Protein change: p.Asp198Ter; replaces aspartic acid 198 with a stop codon.
Molecular consequence: nonsense. On other transcripts: non-coding transcript variant (4).
Genome position (GRCh38, 1-based): chr1:150,333,062, T duplicated. VCF-style (leftmost placement, unchanged base first): chr1-150333061-A-AT. GRCh37 (hg19) VCF-style: chr1-150305532-A-AT.
Other names: c.186dup, p.Asp63Ter (NM_001350529.1); short protein forms D63*, D198*.
Identifiers: ClinVar variation 2016027 (VCV002016027.4), dbSNP rs2525119285, ClinGen allele CA2580060972.

ClinVar aggregate classification (germline): Pathogenic (1 of 4 stars; one submission).

Submission:

Labcorp Genetics (formerly Invitae), Labcorp
Classification: Pathogenic. Last evaluated: 2024-01-24. Review status: criteria provided, single submitter. Criteria: Invitae Variant Classification Sherloc (09022015). Collection method: clinical testing. Allele origin: germline.
Comment: This sequence change creates a premature translational stop signal (p.Asp198*) in the PRPF3 gene. It is expected to result in an absent or disrupted protein product. Loss-of-function variants in PRPF3 are known to be pathogenic (PMID: 17932117, 21378395, 32531858, 35138024). This variant is not present in population databases (gnomAD no frequency). This variant has not been reported in the literature in individuals affected with PRPF3-related conditions. ClinVar contains an entry for this variant (Variation ID: 2016027). For these reasons, this variant has been classified as Pathogenic.

Literature cited by the submitters: PubMed 17932117; PubMed 21378395; PubMed 32531858; PubMed 35138024.